The following is an entry in ClinVar:

ClinVar aggregate classification (germline): Benign (1 of 4 stars; one submission).

Conditions:
Familial adenomatous polyposis 1 (FAP1). Also called: FAMILIAL ADENOMATOUS POLYPOSIS 1, ATTENUATED; POLYPOSIS, ADENOMATOUS INTESTINAL. Identifiers: MedGen C2713442, MONDO:0021056, OMIM 175100. Disease mechanism: loss of function.

Allele frequency attached by ClinVar (database versions not stated): gnomAD exomes below 0.00001.
gnomAD v4.1: 2 of 1,613,684 alleles (0.00012%); highest among the groups gnomAD compares: East Asian, 0.0045%; no homozygotes.

Submission:

Myriad Genetics, Inc.
Classification: Benign for Familial adenomatous polyposis 1. Last evaluated: 2024-04-11. Review status: criteria provided, single submitter. Criteria: Myriad Autosomal Dominant, Autosomal Recessive and X-Linked Classification Criteria (2023). Collection method: clinical testing. Allele origin: unknown.
Comment: This variant is considered benign. This variant is a silent/synonymous amino acid change and it is not expected to impact splicing.

NM_000038.6(APC):c.7857A>G (p.Glu2619=)

Gene: APC (APC regulator of Wnt signaling pathway; plus strand). Cytogenetic location: 5q22.2.
Variant type: single nucleotide variant.
Coding change: c.7857A>G on transcript NM_000038.6 (MANE Select); coding-DNA position 7857, A replaced by G.
Protein change: p.Glu2619=; no amino-acid change (glutamic acid 2619 retained).
Molecular consequence: synonymous variant. On other transcripts: non-coding transcript variant (2).
Genome position (GRCh38, 1-based): chr5:112,843,451, A>G. VCF-style: chr5-112843451-A-G. GRCh37 (hg19) VCF-style: chr5-112179148-A-G.
Other names: c.7857A>G, p.Glu2619= (NM_001127510.3, NM_001354895.2, NM_001407450.1); c.7803A>G, p.Glu2601= (NM_001127511.3); c.7911A>G, p.Glu2637= (NM_001354896.2, NM_001407447.1, NM_001407448.1 and 1 more transcripts); c.7887A>G, p.Glu2629= (NM_001354897.2); c.7782A>G, p.Glu2594= (NM_001354898.2); c.7773A>G, p.Glu2591= (NM_001354899.2); c.7734A>G, p.Glu2578= (NM_001354900.2); c.7680A>G, p.Glu2560= (NM_001354901.2, NM_001407453.1); and 11 more.
Identifiers: ClinVar variation 3254448 (VCV003254448.1), dbSNP rs2149994983.